The following is an entry in ClinVar:

ClinVar aggregate classification (germline): Uncertain significance. Review status: criteria provided, multiple submitters, no conflicts (2 of 4 stars). 2 submissions from 2 submitters: Uncertain significance (2). Last evaluated 2025-10-26.

Conditions:
Colorectal cancer, hereditary nonpolyposis, type 7. Identifiers: Orphanet 144, MedGen C1858380, MONDO:0013725, OMIM 614385.

Allele frequency attached by ClinVar (database versions not stated): TOPMed below 0.00001.

Submissions (2):

Labcorp Genetics (formerly Invitae), Labcorp
Classification: Uncertain significance for Colorectal cancer, hereditary nonpolyposis, type 7. Last evaluated: 2025-10-26. Review status: criteria provided, single submitter. Criteria: Invitae Variant Classification Sherloc (09022015). Collection method: clinical testing. Allele origin: germline.
Comment: This sequence change replaces glycine, which is neutral and non-polar, with aspartic acid, which is acidic and polar, at codon 882 of the MLH3 protein (p.Gly882Asp). This variant is not present in population databases (gnomAD no frequency). This variant has not been reported in the literature in individuals affected with MLH3-related conditions. ClinVar contains an entry for this variant (Variation ID: 1794239). An algorithm developed to predict the effect of missense changes on protein structure and function outputs the following: PolyPhen-2: "Benign". The aspartic acid amino acid residue is found in multiple mammalian species, which suggests that this missense change does not adversely affect protein function. In summary, the available evidence is currently insufficient to determine the role of this variant in disease. Therefore, it has been classified as a Variant of Uncertain Significance.

Ambry Genetics
Classification: Uncertain significance. Last evaluated: 2021-11-22. Review status: criteria provided, single submitter. Criteria: Ambry Variant Classification Scheme 2023. Collection method: clinical testing. Allele origin: germline.
Comment: The p.G882D variant (also known as c.2645G>A), located in coding exon 1 of the MLH3 gene, results from a G to A substitution at nucleotide position 2645. The glycine at codon 882 is replaced by aspartic acid, an amino acid with similar properties. This amino acid position is conserved. In addition, this alteration is predicted to be tolerated by in silico analysis. Since supporting evidence is limited at this time, the clinical significance of this alteration remains unclear.

NM_001040108.2(MLH3):c.2645G>A (p.Gly882Asp)

Gene: MLH3 (mutL homolog 3; minus strand). Cytogenetic location: 14q24.3.
Variant type: single nucleotide variant.
Coding change: c.2645G>A on transcript NM_001040108.2 (MANE Select); coding-DNA position 2645, G replaced by A.
Protein change: p.Gly882Asp; replaces glycine 882 with aspartic acid.
Molecular consequence: missense variant.
Genome position (GRCh38, 1-based): chr14:75,047,011, C>T on the plus strand (G>A on the coding strand, the complement: MLH3 is on the minus strand). VCF-style: chr14-75047011-C-T. GRCh37 (hg19) VCF-style: chr14-75513714-C-T.
Other names: c.2645G>A, p.Gly882Asp (NM_014381.3); short protein forms G882D.
Identifiers: ClinVar variation 1794239 (VCV001794239.3), dbSNP rs1340779565, ClinGen allele CA390439253.